The following is an entry in ClinVar:

NM_005883.3(APC2):c.5641C>A (p.Pro1881Thr)

Gene: APC2 (APC regulator of Wnt signaling pathway 2; plus strand). Cytogenetic location: 19p13.3.
Variant type: single nucleotide variant.
Coding change: c.5641C>A on transcript NM_005883.3 (MANE Select); coding-DNA position 5641, C replaced by A.
Protein change: p.Pro1881Thr; replaces proline 1881 with threonine.
Molecular consequence: missense variant.
Genome position (GRCh38, 1-based): chr19:1,468,942, C>A. VCF-style: chr19-1468942-C-A. GRCh37 (hg19) VCF-style: chr19-1468941-C-A.
Other names: c.5638C>A, p.Pro1880Thr (NM_001351273.1); short protein forms P1880T, P1881T.
Identifiers: ClinVar variation 3340786 (VCV003340786.5).
Genomic context (GRCh38, chr19:1,468,942, plus strand): 5'-AGCGCCACACCGCCCGCCCGCCTCGCCAAGACCCCCTCCTCCAGCTCCTCCCAGACCTCG[C>A]CCGCCTCCCAGCCCCTGCCCAGAAAGCGCCCCCCGGTCACCCAGGCTGCTGGGGCCCTGC-3'
Protein context (NP_005874.1, residues 1871-1891): TPSSSSSQTS[Pro1881Thr]ASQPLPRKRP

ClinVar aggregate classification (germline): Uncertain significance. Review status: criteria provided, multiple submitters, no conflicts (2 of 4 stars). 3 submissions from 3 submitters: Uncertain significance (3). Last evaluated 2026-01-10.

Conditions:
Inborn genetic diseases. Identifiers: MedGen C0950123, MeSH D030342.

gnomAD v4.1: 234 of 1,542,950 alleles (0.015%); highest among the groups gnomAD compares: Admixed American, 0.022%; no homozygotes.

Submissions (3):

GeneDx
Classification: Uncertain significance. Last evaluated: 2026-01-10. Review status: criteria provided, single submitter. Criteria: GeneDx Variant Classification Process June 2021. Collection method: clinical testing. Allele origin: germline.
Comment: Has not been previously published as pathogenic or benign to our knowledge; In silico analysis suggests that this missense variant does not alter protein structure/function

Ambry Genetics
Classification: Uncertain significance for Inborn genetic diseases. Last evaluated: 2025-08-12. Review status: criteria provided, single submitter. Criteria: Ambry Variant Classification Scheme 2023. Collection method: clinical testing. Allele origin: germline.

Labcorp Genetics (formerly Invitae), Labcorp
Classification: Uncertain significance. Last evaluated: 2024-06-20. Review status: criteria provided, single submitter. Criteria: Invitae Variant Classification Sherloc (09022015). Collection method: clinical testing. Allele origin: germline.
Comment: This sequence change replaces proline, which is neutral and non-polar, with threonine, which is neutral and polar, at codon 1881 of the APC2 protein (p.Pro1881Thr). This variant is present in population databases (rs758498465, gnomAD 0.03%). This variant has not been reported in the literature in individuals affected with APC2-related conditions. Advanced modeling of protein sequence and biophysical properties (such as structural, functional, and spatial information, amino acid conservation, physicochemical variation, residue mobility, and thermodynamic stability) performed at Invitae indicates that this missense variant is expected to disrupt APC2 protein function with a positive predictive value of 80%. In summary, the available evidence is currently insufficient to determine the role of this variant in disease. Therefore, it has been classified as a Variant of Uncertain Significance.